The following is an entry in ClinVar:

ClinVar aggregate classification (germline): Uncertain significance (1 of 4 stars; one submission).

Conditions:
Lamb-Shaffer syndrome. Identifiers: Orphanet 313884, Orphanet 313892, Orphanet 530983, MedGen C4225202, MONDO:0014778, OMIM 616803.

Allele frequency attached by ClinVar (database versions not stated): gnomAD exomes below 0.00001.
gnomAD v4.1: 1 of 1,614,052 alleles (0.000062%); highest among the groups gnomAD compares: Admixed American, 0.0017%; no homozygotes.

Submission:

Victorian Clinical Genetics Services, Murdoch Childrens Research Institute
Classification: Uncertain significance for Lamb-Shaffer syndrome. Last evaluated: 2022-02-02. Review status: criteria provided, single submitter. Criteria: ACMG Guidelines, 2015. Collection method: clinical testing. Allele origin: germline. Inheritance: Autosomal dominant inheritance. Affected: yes.
Comment: Based on the classification scheme VCGS_Germline_v1.3.4, this variant is classified as VUS-3B. Following criteria are met: 0102 - Loss of function is a known mechanism of disease in this gene and is associated with Lamb-Shaffer syndrome (MIM#616803). (I) 0107 - This gene is associated with autosomal dominant disease. (I) 0200 - Variant is predicted to result in a missense amino acid change from threonine to alanine. (I) 0251 - This variant is heterozygous. (I) 0302 - Variant is present in gnomAD (v2) <0.001 for a dominant condition (1 heterozygote, 0 homozygotes). (SP) 0504 - Same amino acid change has been observed in placental mammals. (SB) 0604 - Variant is not located in an established domain, motif, hotspot or informative constraint region. (I) 0705 - No comparable missense variants have previous evidence for pathogenicity. (I) 0807 - This variant has no previous evidence of pathogenicity. (I) 0905 - No published segregation evidence has been identified for this variant. (I) 1007 - No published functional evidence has been identified for this variant. (SP) Legend: (SP) - Supporting pathogenic, (I) - Information, (SB) - Supporting benign

NM_006940.6(SOX5):c.988A>G (p.Thr330Ala)

Gene: SOX5 (SRY-box transcription factor 5; minus strand). Cytogenetic location: 12p12.1.
Variant type: single nucleotide variant.
Coding change: c.988A>G on transcript NM_006940.6 (MANE Select); coding-DNA position 988, A replaced by G.
Protein change: p.Thr330Ala; replaces threonine 330 with alanine.
Molecular consequence: missense variant.
Genome position (GRCh38, 1-based): chr12:23,640,841, T>C on the plus strand (A>G on the coding strand, the complement: SOX5 is on the minus strand). VCF-style: chr12-23640841-T-C. GRCh37 (hg19) VCF-style: chr12-23793775-T-C.
Other names: c.949A>G, p.Thr317Ala (NM_001261414.3, NM_152989.5); c.958A>G, p.Thr320Ala (NM_001261415.3); c.883A>G, p.Thr295Ala (NM_001330785.2); short protein forms T295A, T317A, T320A, T330A.
Identifiers: ClinVar variation 1698946 (VCV001698946.3), dbSNP rs1224542564, ClinGen allele CA384317745.